The following is an entry in ClinVar:

ClinVar aggregate classification (germline): Likely benign (1 of 4 stars; one submission).

Conditions:
Hereditary diffuse gastric adenocarcinoma (HDGC). Also called: DIFFUSE GASTRIC AND LOBULAR BREAST CANCER SYNDROME. Identifiers: Orphanet 26106, MedGen C1708349, MONDO:0007648, OMIM 137215.

Submission:

Myriad Genetics, Inc.
Classification: Likely benign for Hereditary diffuse gastric adenocarcinoma. Last evaluated: 2024-09-12. Review status: criteria provided, single submitter. Criteria: Myriad Autosomal Dominant, Autosomal Recessive and X-Linked Classification Criteria (2023). Collection method: clinical testing. Allele origin: unknown.
Comment: This variant is considered likely benign. This variant is intronic and is not expected to impact mRNA splicing.

NM_004360.5(CDH1):c.387+8G>T

Gene: CDH1 (cadherin 1; plus strand). Cytogenetic location: 16q22.1.
Variant type: single nucleotide variant.
Coding change: c.387+8G>T on transcript NM_004360.5 (MANE Select); 8 bases into the intron after coding-DNA position 387, G replaced by T.
Molecular consequence: intron variant.
Genome position (GRCh38, 1-based): chr16:68,801,901, G>T. VCF-style: chr16-68801901-G-T. GRCh37 (hg19) VCF-style: chr16-68835804-G-T.
Other names: c.-1229+8G>T (NM_001317185.2); c.-1433+8G>T (NM_001317186.2); c.387+8G>T (NM_001317184.2).
Identifiers: ClinVar variation 3378856 (VCV003378856.1).